The following is an entry in ClinVar:

ClinVar aggregate classification (germline): Uncertain significance (1 of 4 stars; one submission).

Submission:

Labcorp Genetics (formerly Invitae), Labcorp
Classification: Uncertain significance. Last evaluated: 2022-06-20. Review status: criteria provided, single submitter. Criteria: Invitae Variant Classification Sherloc (09022015). Collection method: clinical testing. Allele origin: germline.
Comment: This variant has not been reported in the literature in individuals affected with GPR179-related conditions. This sequence change replaces leucine, which is neutral and non-polar, with proline, which is neutral and non-polar, at codon 1187 of the GPR179 protein (p.Leu1187Pro). This variant is not present in population databases (gnomAD no frequency). Algorithms developed to predict the effect of missense changes on protein structure and function output the following: SIFT: "Tolerated"; PolyPhen-2: "Benign"; Align-GVGD: "Class C0". The proline amino acid residue is found in multiple mammalian species, which suggests that this missense change does not adversely affect protein function. In summary, the available evidence is currently insufficient to determine the role of this variant in disease. Therefore, it has been classified as a Variant of Uncertain Significance.

NM_001004334.4(GPR179):c.3560T>C (p.Leu1187Pro)

Gene: GPR179 (G protein-coupled receptor 179; minus strand). Cytogenetic location: 17q12.
Variant type: single nucleotide variant.
Coding change: c.3560T>C on transcript NM_001004334.4 (MANE Select); coding-DNA position 3560, T replaced by C.
Protein change: p.Leu1187Pro; replaces leucine 1187 with proline.
Molecular consequence: missense variant.
Genome position (GRCh38, 1-based): chr17:38,330,009, A>G on the plus strand (T>C on the coding strand, the complement: GPR179 is on the minus strand). VCF-style: chr17-38330009-A-G. GRCh37 (hg19) VCF-style: chr17-36485892-A-G.
Other names: short protein forms L1187P.
Identifiers: ClinVar variation 2008685 (VCV002008685.4), dbSNP rs2512160901, ClinGen allele CA398879283.